The following is an entry in ClinVar:

NM_020949.3(SLC7A14):c.1604A>G (p.Lys535Arg)

Genes: SLC7A14 (solute carrier family 7 member 14; minus strand), SLC7A14-AS1 (SLC7A14 antisense RNA 1; plus strand). Cytogenetic location: 3q26.2.
Variant type: single nucleotide variant.
Coding change: c.1604A>G on transcript NM_020949.3 (MANE Select); coding-DNA position 1604, A replaced by G.
Protein change: p.Lys535Arg; replaces lysine 535 with arginine.
Molecular consequence: missense variant.
Genome position (GRCh38, 1-based): chr3:170,480,678, T>C on the plus strand (A>G on the coding strand, the complement: SLC7A14 is on the minus strand). VCF-style: chr3-170480678-T-C. GRCh37 (hg19) VCF-style: chr3-170198467-T-C.
Other names: short protein forms K535R.
Identifiers: ClinVar variation 1720324 (VCV001720324.5), dbSNP rs1258181780, ClinGen allele CA355489889.

ClinVar aggregate classification (germline): Uncertain significance (1 of 4 stars; one submission).

Allele frequency attached by ClinVar (database versions not stated): TOPMed below 0.00001; gnomAD exomes 0.00001.
gnomAD v4.1: 11 of 1,614,266 alleles (0.00068%); highest among the groups gnomAD compares: Middle Eastern, 0.016%; no homozygotes.

Submission:

Labcorp Genetics (formerly Invitae), Labcorp
Classification: Uncertain significance. Last evaluated: 2022-09-25. Review status: criteria provided, single submitter. Criteria: Invitae Variant Classification Sherloc (09022015). Collection method: clinical testing. Allele origin: germline.
Comment: In summary, the available evidence is currently insufficient to determine the role of this variant in disease. Therefore, it has been classified as a Variant of Uncertain Significance. This sequence change replaces lysine, which is basic and polar, with arginine, which is basic and polar, at codon 535 of the SLC7A14 protein (p.Lys535Arg). This variant is present in population databases (no rsID available, gnomAD 0.0009%). This variant has not been reported in the literature in individuals affected with SLC7A14-related conditions. Algorithms developed to predict the effect of missense changes on protein structure and function (SIFT, PolyPhen-2, Align-GVGD) all suggest that this variant is likely to be tolerated.